The following is an entry in ClinVar:

ClinVar aggregate classification (germline): Likely benign (1 of 4 stars; one submission).

Submission:

CeGaT Center for Human Genetics Tuebingen
Classification: Likely benign. Last evaluated: 2026-04-01. Review status: criteria provided, single submitter. Criteria: CeGaT Center For Human Genetics Tuebingen Variant Classification Criteria Version 2. Collection method: clinical testing. Allele origin: germline. Affected: yes. Observed: 1 variant allele.
Comment: XK: BP4, BP7

NM_021083.4(XK):c.450C>T (p.Pro150=)

Gene: XK (X-linked Kx blood group antigen, Kell and VPS13A binding protein; plus strand). Cytogenetic location: Xp21.1.
Variant type: single nucleotide variant.
Coding change: c.450C>T on transcript NM_021083.4 (MANE Select); coding-DNA position 450, C replaced by T.
Protein change: p.Pro150=; no amino-acid change (proline 150 retained).
Molecular consequence: synonymous variant.
Genome position (GRCh38, 1-based): chrX:37,694,490, C>T. VCF-style: chrX-37694490-C-T. GRCh37 (hg19) VCF-style: chrX-37553743-C-T.
Identifiers: ClinVar variation 4874515 (VCV004874515.2).